The following is an entry in ClinVar:

NM_001048174.2(MUTYH):c.1219C>T (p.His407Tyr)

Gene: MUTYH (mutY DNA glycosylase; minus strand). Cytogenetic location: 1p34.1.
Variant type: single nucleotide variant.
Coding change: c.1219C>T on transcript NM_001048174.2 (MANE Select); coding-DNA position 1219, C replaced by T.
Protein change: p.His407Tyr; replaces histidine 407 with tyrosine.
Molecular consequence: missense variant. On other transcripts: non-coding transcript variant (2).
Genome position (GRCh38, 1-based): chr1:45,331,440, G>A on the plus strand (C>T on the coding strand, the complement: MUTYH is on the minus strand). VCF-style: chr1-45331440-G-A. GRCh37 (hg19) VCF-style: chr1-45797112-G-A.
Other names: p.H435Y:CAC>TAC; c.1219C>T, p.His407Tyr (NM_001048171.2, NM_001048173.2, NM_001293195.2); c.1222C>T, p.His408Tyr (NM_001048172.2); c.1303C>T, p.His435Tyr (NM_001128425.2); c.1264C>T, p.His422Tyr (NM_001293190.2); c.1252C>T, p.His418Tyr (NM_001293191.2); c.943C>T, p.His315Tyr (NM_001293192.2, NM_001293196.2); c.874C>T, p.His292Tyr (NM_001350650.2, NM_001350651.2); and 1 more; short protein forms H435Y, H421Y, H315Y, H407Y, H418Y, H292Y, H432Y, H408Y.
Identifiers: ClinVar variation 140816 (VCV000140816.37), dbSNP rs141432759, ClinGen allele CA012561.

ClinVar aggregate classification (germline): Conflicting classifications of pathogenicity. Review status: criteria provided, conflicting classifications (1 of 4 stars). 10 submissions from 10 submitters: Uncertain significance (8); Likely benign (1). 1 of the submissions does not count toward it. Last evaluated 2026-10-01.

Conditions:
MUTYH-related disorder. Also called: MUTYH-related condition; MUTYH-related disorders.
Hereditary cancer-predisposing syndrome. Also called: Tumor predisposition; Neoplastic Syndromes, Hereditary; Hereditary neoplastic syndrome; Hereditary Cancer Syndrome. Identifiers: Orphanet 140162, MedGen C0027672, MeSH D009386, MONDO:0015356.
Familial adenomatous polyposis 2. Also called: MYH-associated polyposis; FAP type 2; MUTYH Polyposis; MUTYH-related attenuated familial adenomatous polyposis; Adenomas, multiple colorectal; COLORECTAL ADENOMATOUS POLYPOSIS, AUTOSOMAL RECESSIVE. Identifiers: Orphanet 220460, Orphanet 247798, MedGen C3272841, MONDO:0012041, OMIM 608456.

Allele frequency attached by ClinVar (database versions not stated): ExAC 0.00002; ESP Exome Variant Server 0.00031; gnomAD exomes 0.00002; TOPMed 0.00012; gnomAD 0.00016 and 0.00019.

Submissions (10):

St. Jude Molecular Pathology, St. Jude Children's Research Hospital
Classification: Uncertain significance for Familial adenomatous polyposis 2. Last evaluated: 2026-10-01. Review status: criteria provided, single submitter. Criteria: St. Jude Assertion Criteria 2020. Collection method: clinical testing. Allele origin: germline.
Comment: The MUTYH c.1303C>T p.(His435Tyr) missense change has a maximum subpopulation frequency of 0.04% in gnomAD v2.1.1. The i n silico tool REVEL predicts a benign effect on protein function, but to our knowledge this prediction has not been confirmed by functional studies. To our knowledge, this variant has not been reported in individuals with MUTYH-associated polyposis. In summary, the evidence currently available is insufficient to determine the clinical significance of this variant. It has therefore been classified as of uncertain significance (VUS-Low).

Labcorp Genetics (formerly Invitae), Labcorp
Classification: Uncertain significance for Familial adenomatous polyposis 2. Last evaluated: 2026-01-31. Review status: criteria provided, single submitter. Criteria: Invitae Variant Classification Sherloc (09022015). Collection method: clinical testing. Allele origin: germline.
Comment: This sequence change replaces histidine, which is basic and polar, with tyrosine, which is neutral and polar, at codon 435 of the MUTYH protein (p.His435Tyr). This variant is present in population databases (rs141432759, gnomAD 0.04%). This variant has not been reported in the literature in individuals affected with MUTYH-related conditions. ClinVar contains an entry for this variant (Variation ID: 140816). An algorithm developed to predict the effect of missense changes on protein structure and function (PolyPhen-2) suggests that this variant is likely to be tolerated. RNA analysis performed to evaluate the impact of this missense change on mRNA splicing indicates it does not significantly alter splicing (internal data). In summary, the available evidence is currently insufficient to determine the role of this variant in disease. Therefore, it has been classified as a Variant of Uncertain Significance.

Women's Health and Genetics/Laboratory Corporation of America, LabCorp
Classification: Uncertain significance. Last evaluated: 2025-10-06. Review status: criteria provided, single submitter. Criteria: LabCorp Variant Classification Summary - May 2015. Collection method: clinical testing. Allele origin: germline.
Comment: Variant summary: MUTYH c.1303C>T (p.His435Tyr) results in a conservative amino acid change located in the NUDIX hydrolase domain (IPR000086) of the encoded protein sequence. Algorithms developed to predict the effect of missense changes on protein structure and function all suggest that this variant is likely to be tolerated. The variant allele was found at a frequency of 2.4e-05 in 251338 control chromosomes. The available data on variant occurrences in the general population are insufficient to allow any conclusion about variant significance. This variant has been oberved and classified as a VUS in settings of multigene panel testing for Biliary tract cancer (Okawa_2023); however, to our knowledge, no occurrence of c.1303C>T in individuals affected with MUTYH-related conditions and no experimental evidence demonstrating its impact on protein function have been reported. The following publication have been ascertained in the context of this evaluation (PMID: 36243179). ClinVar contains an entry for this variant (Variation ID: 140816). Based on the evidence outlined above, the variant was classified as uncertain significance.

PreventionGenetics, part of Exact Sciences
Classification: Uncertain significance for MUTYH-related condition. Last evaluated: 2024-11-06. Review status: criteria provided, single submitter. Criteria: ACMG Guidelines, 2015. Collection method: clinical testing. Allele origin: germline.
Comment: The MUTYH c.1303C>T variant is predicted to result in the amino acid substitution p.His435Tyr. This variant has not been reported in the literature in individuals affected with MUTYH-related conditions, but has been identified in individuals from a control cohort in a biliary tract cancer study (Supplemental Table 2, Okawa et al. 2022. PubMed ID: 36243179). This variant is reported in 0.040% of alleles in individuals of African descent in gnomAD and has conflicting interpretations regarding its pathogenicity in ClinVar, ranging from likely benign to uncertain. At this time, the clinical significance of this variant is uncertain due to the absence of conclusive functional and genetic evidence.

All of Us Research Program, National Institutes of Health
Classification: Uncertain significance for Familial adenomatous polyposis 2. Last evaluated: 2024-08-23. Review status: criteria provided, single submitter. Criteria: ACMG Guidelines, 2015. Collection method: clinical testing. Allele origin: germline. Inheritance: Autosomal recessive inheritance. Observed: 17 variant alleles, 17 heterozygotes.
Comment: This missense variant replaces histidine with tyrosine at codon 435 of the MUTYH protein. Computational prediction suggests that this variant may not impact protein structure and function (internally defined REVEL score threshold <= 0.5, PMID: 27666373). To our knowledge, functional studies have not been performed for this variant. This variant has not been reported in individuals affected with hereditary cancer in the literature. This variant has been identified in 10/282744 chromosomes in the general population by the Genome Aggregation Database (gnomAD). The available evidence is insufficient to determine the role of this variant in disease conclusively. Therefore, this variant is classified as a Variant of Uncertain Significance.

This study involves interpretation of variants in research participants for the purpose of population health screening. Participant phenotype was not available at the time of variant classification. Additional details can be found in publication PMID: 35346344, PMCID: PMC8962531

Quest Diagnostics Nichols Institute San Juan Capistrano
Classification: Uncertain significance. Last evaluated: 2024-07-04. Review status: criteria provided, single submitter. Criteria: Quest Diagnostics criteria. Collection method: clinical testing. Allele origin: unknown.
Comment: The MUTYH c.1303C>T (p.His435Tyr) variant has been identified in the published literature in reportedly healthy individuals (PMID: 36243179 (2022)). The frequency of this variant in the general population, 0.0004 (10/24950 chromosomes (Genome Aggregation Database)), is uninformative in the assessment of its pathogenicity. Analysis of this variant using bioinformatics tools for the prediction of the effect of amino acid changes on protein structure and function yielded predictions that this variant is benign. Based on the available information, we are unable to determine the clinical significance of this variant.

Color Diagnostics, LLC DBA Color Health
Classification: Uncertain significance for Hereditary cancer-predisposing syndrome. Last evaluated: 2024-03-06. Review status: criteria provided, single submitter. Criteria: ACMG Guidelines, 2015. Collection method: clinical testing. Allele origin: germline.
Comment: This missense variant replaces histidine with tyrosine at codon 435 of the MUTYH protein. Computational prediction suggests that this variant may not impact protein structure and function (internally defined REVEL score threshold <= 0.5, PMID: 27666373). To our knowledge, functional studies have not been performed for this variant. This variant has not been reported in individuals affected with hereditary cancer in the literature. This variant has been identified in 10/282744 chromosomes in the general population by the Genome Aggregation Database (gnomAD). The available evidence is insufficient to determine the role of this variant in disease conclusively. Therefore, this variant is classified as a Variant of Uncertain Significance.

GeneDx
Classification: Uncertain significance. Last evaluated: 2023-06-15. Review status: criteria provided, single submitter. Criteria: GeneDx Variant Classification Process June 2021. Collection method: clinical testing. Allele origin: germline. Affected: yes.
Comment: In silico analysis supports that this missense variant does not alter protein structure/function; Has not been previously published as pathogenic or benign to our knowledge; This variant is associated with the following publications: (PMID: 23108399)

Ambry Genetics
Classification: Likely benign for Hereditary cancer-predisposing syndrome. Last evaluated: 2021-08-11. Review status: criteria provided, single submitter. Criteria: Ambry Variant Classification Scheme 2023. Collection method: clinical testing. Allele origin: germline.

Counsyl
Classification: Uncertain significance for Familial adenomatous polyposis 2. Last evaluated: 2016-04-20. Review status: no assertion criteria provided. Collection method: clinical testing. Allele origin: unknown. Not counted in ClinVar's aggregate classification.

Literature cited by the submitters: PubMed 36243179 (cited by Women's Health and Genetics/Laboratory Corporation of America, LabCorp and Quest Diagnostics Nichols Institute San Juan Capistrano).